The following is an entry in ClinVar:

NM_003476.5(CSRP3):c.131T>C (p.Leu44Pro)

Gene: CSRP3 (cysteine and glycine rich protein 3; minus strand). Cytogenetic location: 11p15.1.
Variant type: single nucleotide variant.
Coding change: c.131T>C on transcript NM_003476.5 (MANE Select); coding-DNA position 131, T replaced by C.
Protein change: p.Leu44Pro; replaces leucine 44 with proline.
Molecular consequence: missense variant. On other transcripts: intron variant (1).
Genome position (GRCh38, 1-based): chr11:19,188,286, A>G on the plus strand (T>C on the coding strand, the complement: CSRP3 is on the minus strand). VCF-style: chr11-19188286-A-G. GRCh37 (hg19) VCF-style: chr11-19209833-A-G.
Other names: c.113-1938T>C (NM_001369404.1); short protein forms L44P.
Identifiers: ClinVar variation 8778 (VCV000008778.35), dbSNP rs104894205, ClinGen allele CA119913.
Genomic context (GRCh38, chr11:19,188,286, plus strand): 5'-CGCCCATAGCACACCTTGCAGTAGATCTCCGACTCATGAGCCGCGACTGTCGTGCTGTCA[A>G]GAGCCTTCCTGCAGGCCACTGCCAGGAAAAGGAAGGGTCATGGGATTGGAATTGAAATCC-3'
Protein context (NP_003467.1, residues 34-54): CFHCMACRKA[Leu44Pro]DSTTVAAHES

ClinVar aggregate classification (germline): Conflicting classifications of pathogenicity. Review status: criteria provided, conflicting classifications (1 of 4 stars). 17 submissions from 17 submitters: Pathogenic (1); Likely pathogenic (6); Uncertain significance (4). 6 of the submissions do not count toward it. Last evaluated 2026-01-28.

Conditions:
CSRP3-related disorder. Also called: CSRP3-related disorders; CSRP3-related condition.
Cardiovascular phenotype. Identifiers: MedGen CN230736.
Hypertrophic cardiomyopathy 1 (CMH1). Also called: MYH7-Related Familial Hypertrophic Cardiomyopathy; Familial hypertrophic cardiomyopathy 1. Identifiers: MedGen C3495498, MONDO:0008647, OMIM 192600.
Hypertrophic cardiomyopathy 12. Identifiers: MedGen C2677491, MONDO:0012804, OMIM 612124.
Dilated cardiomyopathy 1M (CMD1M). Identifiers: Orphanet 154, MedGen C1843808, MONDO:0011840, OMIM 607482.
Hypertrophic cardiomyopathy. Also called: HYPERTROPHIC MYOCARDIOPATHY. Identifiers: Orphanet 217569, MedGen C0007194, MeSH D002312, MONDO:0005045, HP:0001639.

Allele frequency attached by ClinVar (database versions not stated): gnomAD exomes 0.00001 and 0.00004; TOPMed 0.00003; gnomAD 0.00005 and 0.00006.
gnomAD v4.1: 65 of 1,612,474 alleles (0.004%); highest among the groups gnomAD compares: Non-Finnish European, 0.0053%; no homozygotes.

Submissions 1 to 10 of 17:

Labcorp Genetics (formerly Invitae), Labcorp
Classification: Pathogenic for Hypertrophic cardiomyopathy 12; Dilated cardiomyopathy 1M. Last evaluated: 2026-01-28. Review status: criteria provided, single submitter. Criteria: Invitae Variant Classification Sherloc (09022015). Collection method: clinical testing. Allele origin: germline.
Comment: This sequence change replaces leucine, which is neutral and non-polar, with proline, which is neutral and non-polar, at codon 44 of the CSRP3 protein (p.Leu44Pro). This variant is present in population databases (rs104894205, gnomAD 0.003%). This missense change has been observed in individuals with hypertrophic cardiomyopathy (PMID: 12642359, 18505755; internal data). It has also been observed to segregate with disease in related individuals. ClinVar contains an entry for this variant (Variation ID: 8778). An algorithm developed to predict the effect of missense changes on protein structure and function (PolyPhen-2) suggests that this variant is likely to be disruptive. Experimental studies have shown that this missense change affects CSRP3 function (PMID: 27353086, 30048712). For these reasons, this variant has been classified as Pathogenic.

Victorian Clinical Genetics Services, Murdoch Childrens Research Institute
Classification: Uncertain significance for Hypertrophic cardiomyopathy 12. Last evaluated: 2025-11-25. Review status: criteria provided, single submitter. Criteria: ACMG Guidelines, 2015. Collection method: clinical testing. Allele origin: germline. Affected: yes.
Comment: This variant is classified as VUS-3A. Evidence in support of pathogenic classification: Variant is present in gnomAD <0.01 (v4: 65 heterozygote(s), 0 homozygote(s)). - This variant has strong previous evidence of pathogenicity in unrelated individuals. This variant has been classified as pathogenic, multiple times as likely pathogenic and as VUS by clinical laboratories in ClinVar. It has also been reported in the literature in individuals with hypertrophic cardiomyopathy, as well as in an individual considered sub-clinical, two individuals with HCM also carried variants in the MYBPC3 gene(PMIDs: 18505755, 22429680, 34310159, 16352453, 37818629, 27532257, 19035361, 39260623); This variant has limited evidence for segregation with disease. This variant has been shown to segregate in a single family with hypertrophic cardiomyopathy (PMID: 18505755). - This variant has moderate functional evidence supporting abnormal protein function. Expression of this variant in HEK cells, neonatal rat and adult guinea pig cardiomyocytes all demonstrate this variant reduces expression of this protein to approximately 20% of wildtype levels. This decrease in protein level was comparable to other HCM associated variants that were expressed (PMID: 30048712). Furthermore, in vitro expression of this variant reduced phosphorylation of PKCa to ~10% of wildtype levels (PMID: 27353086). - Missense variant predicted to be damaging by in silico tool(s) or highly conserved with a major amino acid change. Additional information: Variant is predicted to result in a missense amino acid change from Leu to Pro; This variant is heterozygous; This gene is associated with both recessive and dominant disease. Individuals with biallelic variants have a more severe phenotype and/or an earlier onset of symptoms (PMID: 33035702). - Alternative amino acid change(s) at the same position are present in gnomAD (highest allele count: v4: 1 heterozygote(s), 0 homozygote(s)). - Another missense variant(s) comparable to the one identified in this case has inconclusive previous evidence for pathogenicity. p.(Leu44Phe) has been classified as a VUS by a clinical laboratory in ClinVar; Variant is located in the annotated LIM domain (DECIPHER); Loss of function is a known mechanism of disease in this gene and is associated with hypertrophic cardiomyopathy 12 (MIM#612124); The condition associated with this gene has incomplete penetrance. Studies have reported that the penetrance for CSRP3 variants is approximately 38%, and diagnosis is often in the 6th decade of life (PMIDs: 33035702, 37929589); Inheritance information for this variant is not currently available in this individual.

Department of Human Genetics, Hannover Medical School
Classification: Likely pathogenic for Hypertrophic cardiomyopathy 1. Last evaluated: 2025-09-29. Review status: criteria provided, single submitter. Criteria: ACMG Guidelines, 2015. Collection method: clinical testing. Allele origin: germline. Affected: yes.
Comment: PS4_Supporting, PP1_Moderate, PP3_Strong

Ambry Genetics
Classification: Likely pathogenic for Cardiovascular phenotype. Last evaluated: 2024-11-08. Review status: criteria provided, single submitter. Criteria: Ambry Variant Classification Scheme 2023. Collection method: clinical testing. Allele origin: germline.
Comment: The p.L44P variant (also known as c.131T>C), located in coding exon 2 of the CSRP3 gene, results from a T to C substitution at nucleotide position 131. The leucine at codon 44 is replaced by proline, an amino acid with similar properties. The alteration was first reported in a family with hypertrophic cardiomyopathy (HCM) and segregated with disease (Geier C et al. Circulation, 2003 Mar;107:1390-5; Geier C et al. Hum. Mol. Genet., 2008 Sep;17:2753-65). This alteration was also reported in an individual with HCM who had a family history of sudden cardiac death and also carried a frameshift alteration in MYBPC3 (Bos JM et al. Mol. Genet. Metab., 2006 May;88:78-85). This alteration has also been reported in additional hypertrophic cardiomyopathy (HCM) cohorts; however, clinical details were limited (Lopes LR et al. Heart, 2015 Feb;101:294-301; Robyns T et al. Eur J Med Genet. 2020 Mar;63(3):103754). In one functional study, authors expressed this alteration in mammalian cells which showed reduced muscle LIM protein (MLP) protein levels with normal transcript levels (Ehsan M et al. J. Mol. Cell. Cardiol., 2018 08;121:287-296). Based on internal structural analysis, this variant is predicted to be moderately destabilizing (Ambry internal data). This amino acid position is highly conserved in available vertebrate species. In addition, this alteration is predicted to be deleterious by in silico analysis. Based on the majority of available evidence to date, this variant is likely to be pathogenic; however, in the heterozygous state, this variant may present with reduced penetrance and expressivity.

KardioGenetik, Herz- und Diabeteszentrum NRW
Classification: Likely pathogenic for Hypertrophic cardiomyopathy 12. Last evaluated: 2024-04-17. Review status: criteria provided, single submitter. Criteria: ACMG Guidelines, 2015. Collection method: clinical testing. Allele origin: unknown. Affected: yes. Observed: 1 variant allele.

GeneDx
Classification: Uncertain significance. Last evaluated: 2023-02-14. Review status: criteria provided, single submitter. Criteria: GeneDx Variant Classification Process June 2021. Collection method: clinical testing. Allele origin: germline. Affected: yes.
Comment: Published functional studies suggest a damaging effect; however, it is not known whether these findings are biological or clinically relevant in vivo (Lange et al., 2016; Ehsan et al., 2018); Not observed at significant frequency in large population cohorts (gnomAD); In silico analysis supports that this missense variant has a deleterious effect on protein structure/function; This variant is associated with the following publications: (PMID: 27532257, 30012424, 22429680, 18505755, 26183555, 25179549, 19115046, 27353086, 30048712, 35241752, 16352453, 25351510, 33662488, 32105245, 34495297, 31919335, 33035702, 12642359, 31513939)

Centre of Medical Genetics, University Hospital Muenster
Classification: Likely pathogenic. Last evaluated: 2022-12-29. Review status: criteria provided, single submitter. Criteria: ACMG Guidelines, 2015. Collection method: clinical testing. Allele origin: unknown. Affected: yes. Observed: 1 variant allele, 1 heterozygote.
Comment: ACMG categories: PS5,PM2,PP3,PP5

Blueprint Genetics
Classification: Likely pathogenic for CSRP3-related disorders. Last evaluated: 2022-12-19. Review status: criteria provided, single submitter. Criteria: ACMG Guidelines, 2015. Collection method: clinical testing. Allele origin: germline. Affected: yes. Observed: 3 variant alleles.

AiLife Diagnostics
Classification: Likely pathogenic. Last evaluated: 2022-02-21. Review status: criteria provided, single submitter. Criteria: ACMG Guidelines, 2015. Collection method: clinical testing. Allele origin: germline. Affected: yes. Observed: 1 variant allele.

Center for Human Genetics, University of Leuven
Classification: Uncertain significance for Hypertrophic cardiomyopathy. Last evaluated: 2018-10-31. Review status: criteria provided, single submitter. Criteria: ACMG Guidelines, 2015. Collection method: clinical testing. Allele origin: germline. Affected: yes.